The following is an entry in ClinVar:

ClinVar aggregate classification (germline): Uncertain significance (1 of 4 stars; one submission).

Submission:

Labcorp Genetics (formerly Invitae), Labcorp
Classification: Uncertain significance. Last evaluated: 2025-12-15. Review status: criteria provided, single submitter. Criteria: Invitae Variant Classification Sherloc (09022015). Collection method: clinical testing. Allele origin: germline.
Comment: This variant, c.127_128insCCGGCGGCGACTTCG, results in the insertion of 5 amino acid(s) of the FAM46A protein (p.Phe42_Gly43insAlaGlyGlyAspPhe), but otherwise preserves the integrity of the reading frame. The frequency data for this variant in the population databases is considered unreliable, as metrics indicate poor data quality at this position in the gnomAD database. This variant has not been reported in the literature in individuals affected with FAM46A-related conditions. ClinVar contains an entry for this variant (Variation ID: 1920234). In summary, the available evidence is currently insufficient to determine the role of this variant in disease. Therefore, it has been classified as a Variant of Uncertain Significance.

NM_017633.3(TENT5A):c.127_128insCCGGCGGCGACTTCG (p.Phe42_Gly43insAlaGlyGlyAspPhe)

Gene: TENT5A (terminal nucleotidyltransferase 5A; minus strand). Cytogenetic location: 6q14.1.
Variant type: Insertion.
Coding change: c.127_128insCCGGCGGCGACTTCG on transcript NM_017633.3 (MANE Select); coding-DNA positions 127 to 128, CCGGCGGCGACTTCG inserted.
Protein change: p.Phe42_Gly43insAlaGlyGlyAspPhe.
Molecular consequence: inframe insertion.
Genome position: GRCh38 VCF-style: chr6-81752014-C-CCGAAGTCGCCGCCGG. GRCh37 (hg19) VCF-style: chr6-82461731-C-CCGAAGTCGCCGCCGG.
Identifiers: ClinVar variation 1920234 (VCV001920234.5), dbSNP rs779397327, ClinGen allele CA3903077.